The following is an entry in ClinVar:

NM_173628.4(DNAH17):c.11857_11858inv (p.His3953Cys)

Gene: DNAH17 (dynein axonemal heavy chain 17; minus strand). Cytogenetic location: 17q25.3.
Variant type: Inversion.
Coding change: c.11857_11858inv on transcript NM_173628.4 (MANE Select).
Protein change: p.His3953Cys; replaces histidine 3953 with cysteine.
Molecular consequence: missense variant.
Genome position: GRCh38 VCF-style: chr17-78437816-TG-CA. GRCh37 (hg19) VCF-style: chr17-76433898-TG-CA.
Other names: short protein forms H3953C.
Identifiers: ClinVar variation 4874420 (VCV004874420.2).

ClinVar aggregate classification (germline): Likely benign (1 of 4 stars; one submission).

Submission:

CeGaT Center for Human Genetics Tuebingen
Classification: Likely benign. Last evaluated: 2026-06-01. Review status: criteria provided, single submitter. Criteria: CeGaT Center For Human Genetics Tuebingen Variant Classification Criteria Version 2. Collection method: clinical testing. Allele origin: germline. Affected: yes. Observed: 2 variant alleles.
Comment: DNAH17: BS2